The following is an entry in ClinVar:

ClinVar aggregate classification (germline): Likely pathogenic (1 of 4 stars; one submission).

Submission:

Dasa
Classification: Likely pathogenic. Last evaluated: 2025-03-24. Review status: criteria provided, single submitter. Criteria: DASA Assertion Criteria. Collection method: clinical testing. Allele origin: germline.
Comment: NM_000168.6(GLI3):c.2588dup (p.Ser864Leufs*220) is a frameshift variant in GLI3 predicted to alter the reading frame and introduce a premature termination codon and is predicted to result in an absent or altered protein product. Loss of function is an established disease mechanism for GLI3 (PMID: 15739154; PMID: 21326280; PMID: 29236091). Also, this variant is absent from population databases. Based on the currently available evidence, this variant is classified as likely pathogenic.

Literature cited by the submitters: PubMed 15739154; PubMed 21326280; PubMed 29236091.

NM_000168.6(GLI3):c.2588dup (p.Ser864fs)

Gene: GLI3 (GLI family zinc finger 3; minus strand). Cytogenetic location: 7p14.1.
Variant type: Duplication.
Coding change: c.2588dup on transcript NM_000168.6 (MANE Select); coding-DNA position 2588, one base duplicated (G; older notation c.2588dupG).
Protein change: p.Ser864fs; shifts the reading frame from serine 864.
Molecular consequence: frameshift variant.
Genome position (GRCh38, 1-based): chr7:41,966,485, C duplicated on the plus strand (G on the coding strand, the reverse complement: GLI3 is on the minus strand). VCF-style (leftmost placement, unchanged base first): chr7-41966484-G-GC. GRCh37 (hg19) VCF-style: chr7-42006082-G-GC.
Other names: short protein forms S864fs.
Identifiers: ClinVar variation 4886437 (VCV004886437.2).